The following is an entry in ClinVar:

ClinVar aggregate classification (germline): Uncertain significance. Review status: criteria provided, multiple submitters, no conflicts (2 of 4 stars). 4 submissions from 4 submitters: Uncertain significance (4). Last evaluated 2025-12-21.

Conditions:
Progressive familial heart block type IB (PFHB1B). Identifiers: Orphanet 871, MedGen C1970298, MONDO:0011474, OMIM 604559.
Erythrokeratodermia variabilis et progressiva 6. Identifiers: MedGen C5193144, MONDO:0032801, OMIM 618531.
Cardiovascular phenotype. Identifiers: MedGen CN230736.

Allele frequency attached by ClinVar (database versions not stated): TOPMed 0.00004; ExAC 0.00007; ESP Exome Variant Server 0.00008.
gnomAD v4.1: 57 of 1,613,968 alleles (0.0035%); highest among the groups gnomAD compares: Middle Eastern, 0.033%; 1 homozygote.

Submissions (4):

Labcorp Genetics (formerly Invitae), Labcorp
Classification: Uncertain significance for Progressive familial heart block type IB. Last evaluated: 2025-12-21. Review status: criteria provided, single submitter. Criteria: Invitae Variant Classification Sherloc (09022015). Collection method: clinical testing. Allele origin: germline.
Comment: This sequence change replaces arginine, which is basic and polar, with histidine, which is basic and polar, at codon 965 of the TRPM4 protein (p.Arg965His). This variant is present in population databases (rs150452571, gnomAD 0.02%). This missense change has been observed in individual(s) with sudden unexplained death (PMID: 29247119, 30391667). ClinVar contains an entry for this variant (Variation ID: 1014313). An algorithm developed to predict the effect of missense changes on protein structure and function (PolyPhen-2) suggests that this variant is likely to be disruptive. In summary, the available evidence is currently insufficient to determine the role of this variant in disease. Therefore, it has been classified as a Variant of Uncertain Significance.

Ambry Genetics
Classification: Uncertain significance for Cardiovascular phenotype. Last evaluated: 2024-05-29. Review status: criteria provided, single submitter. Criteria: Ambry Variant Classification Scheme 2023. Collection method: clinical testing. Allele origin: germline.
Comment: The p.R965H variant (also known as c.2894G>A), located in coding exon 19 of the TRPM4 gene, results from a G to A substitution at nucleotide position 2894. The arginine at codon 965 is replaced by histidine, an amino acid with highly similar properties. This alteration has been reported in association with sudden unexplained death (Lin Y et al. Circ Cardiovasc Genet, 2017 Dec;10; Subbotina E et al. Forensic Sci. Int., 2018 Dec;293:37-46). This amino acid position is well conserved in available vertebrate species. In addition, this alteration is predicted to be tolerated by in silico analysis. Since supporting evidence is limited at this time, the clinical significance of this alteration remains unclear.

Fulgent Genetics
Classification: Uncertain significance for Progressive familial heart block type IB; Erythrokeratodermia variabilis et progressiva 6. Last evaluated: 2021-07-07. Review status: criteria provided, single submitter. Criteria: ACMG Guidelines, 2015. Collection method: clinical testing. Allele origin: unknown.

GeneDx
Classification: Uncertain significance. Last evaluated: 2021-05-03. Review status: criteria provided, single submitter. Criteria: GeneDx Variant Classification Process June 2021. Collection method: clinical testing. Allele origin: germline. Affected: yes.
Comment: Observed in individuals with sudden unexplained death (Lin et al., 2017; Subbotina et al., 2018); Reported in ClinVar but additional evidence is not available (ClinVar Variant ID #1014313; Landrum et al., 2016); In silico analysis supports that this missense variant has a deleterious effect on protein structure/function; This variant is associated with the following publications: (PMID: 30391667, 29247119)

Literature cited by the submitters: PubMed 29247119 (cited by Labcorp Genetics (formerly Invitae), Labcorp and Ambry Genetics); PubMed 30391667 (cited by Labcorp Genetics (formerly Invitae), Labcorp and Ambry Genetics).

NM_017636.4(TRPM4):c.2894G>A (p.Arg965His)

Gene: TRPM4 (transient receptor potential cation channel subfamily M member 4; plus strand). Cytogenetic location: 19q13.33.
Variant type: single nucleotide variant.
Coding change: c.2894G>A on transcript NM_017636.4 (MANE Select); coding-DNA position 2894, G replaced by A.
Protein change: p.Arg965His; replaces arginine 965 with histidine.
Molecular consequence: missense variant.
Genome position (GRCh38, 1-based): chr19:49,200,726, G>A. VCF-style: chr19-49200726-G-A. GRCh37 (hg19) VCF-style: chr19-49703983-G-A.
Other names: c.2459G>A, p.Arg820His (NM_001195227.2); c.2549G>A, p.Arg850His (NM_001321281.2); c.1286G>A, p.Arg429His (NM_001321282.2); c.2372G>A, p.Arg791His (NM_001321283.2); c.1832G>A, p.Arg611His (NM_001321285.2); short protein forms R429H, R611H, R791H, R820H, R850H, R965H.
Identifiers: ClinVar variation 1014313 (VCV001014313.14), dbSNP rs150452571, ClinGen allele CA9569704.